The following is an entry in ClinVar:

ClinVar aggregate classification (germline): Uncertain significance (1 of 4 stars; one submission).

Submission:

GeneDx
Classification: Uncertain significance. Last evaluated: 2025-05-01. Review status: criteria provided, single submitter. Criteria: GeneDx Variant Classification Process June 2021. Collection method: clinical testing. Allele origin: germline. Affected: yes.
Comment: Not observed at significant frequency in large population cohorts (gnomAD); In silico analysis supports that this missense variant has a deleterious effect on protein structure/function; Has not been previously published as pathogenic or benign to our knowledge; Not located in one of the three hot-spot regions of the RYR2 gene, where the majority of pathogenic missense variants occur (PMID: 19926015); This variant is associated with the following publications: (PMID: 19926015)

NM_001035.3(RYR2):c.6476C>T (p.Pro2159Leu)

Gene: RYR2 (ryanodine receptor 2; plus strand). Cytogenetic location: 1q43.
Variant type: single nucleotide variant.
Coding change: c.6476C>T on transcript NM_001035.3 (MANE Select); coding-DNA position 6476, C replaced by T.
Protein change: p.Pro2159Leu; replaces proline 2159 with leucine.
Molecular consequence: missense variant.
Genome position (GRCh38, 1-based): chr1:237,631,462, C>T. VCF-style: chr1-237631462-C-T. GRCh37 (hg19) VCF-style: chr1-237794762-C-T.
Other names: short protein forms P2159L.
Identifiers: ClinVar variation 4527561 (VCV004527561.1).